The following is an entry in ClinVar:

NM_030762.3(BHLHE41):c.1188GGCAGCCGC[1] (p.Ala409_Ala411del)

Genes: BHLHE41 (basic helix-loop-helix family member e41; minus strand), SSPN (sarcospan; plus strand). Cytogenetic location: 12p12.1.
Variant type: Microsatellite.
Coding change: c.1188GGCAGCCGC[1] on transcript NM_030762.3 (MANE Select); one copy of the 9-base unit GGCAGCCGC starting at c.1188; the reference has two copies in a row; one copy, 9 bases deleted; also written c.1197_1205del.
Protein change: p.Ala409_Ala411del.
Molecular consequence: inframe deletion.
Genome position (GRCh38, 1-based): chr12:26,122,310-26,122,318, GCGGCTGCC deleted on the plus strand (GGCAGCCGC on the coding strand, the reverse complement: BHLHE41 is on the minus strand); deleting any 9 consecutive bases within chr12:26,122,310-26,122,329 gives the same sequence; the position shown is the placement nearest the transcript's 3' end. VCF-style (leftmost placement, unchanged base first): chr12-26122309-GGCGGCTGCC-G. GRCh37 (hg19) VCF-style: chr12-26275242-GGCGGCTGCC-G.
Other names: p.Ala409_Ala411del; c.1197_1205del (NM_030762.3).
Identifiers: ClinVar variation 4541703 (VCV004541703.1).

ClinVar aggregate classification (germline): Uncertain significance (1 of 4 stars; one submission).

Submission:

Mayo Clinic Laboratories, Mayo Clinic
Classification: Uncertain significance. Last evaluated: 2025-03-28. Review status: criteria provided, single submitter. Criteria: ACMG Guidelines, 2015. Collection method: clinical testing. Allele origin: germline. Observed: 1 variant allele.
Comment: PM2_supporting